The following is an entry in ClinVar:

ClinVar aggregate classification (germline): Conflicting classifications of pathogenicity. Review status: criteria provided, conflicting classifications (1 of 4 stars). 2 submissions from 2 submitters: Uncertain significance (1); Likely benign (1). Last evaluated 2025-10-26.

Conditions:
Inborn genetic diseases. Identifiers: MedGen C0950123, MeSH D030342.

Submissions (2):

Labcorp Genetics (formerly Invitae), Labcorp
Classification: Uncertain significance. Last evaluated: 2025-10-26. Review status: criteria provided, single submitter. Criteria: Invitae Variant Classification Sherloc (09022015). Collection method: clinical testing. Allele origin: germline.
Comment: This variant, c.745_750dup, results in the insertion of 2 amino acid(s) of the CDK13 protein (p.Gly249_Ser250dup), but otherwise preserves the integrity of the reading frame. This variant is present in population databases (rs538112746, gnomAD 0.05%). This variant has not been reported in the literature in individuals affected with CDK13-related conditions. ClinVar contains an entry for this variant (Variation ID: 2167020). Experimental studies and prediction algorithms are not available or were not evaluated, and the functional significance of this variant is currently unknown. In summary, the available evidence is currently insufficient to determine the role of this variant in disease. Therefore, it has been classified as a Variant of Uncertain Significance.

Ambry Genetics
Classification: Likely benign for Inborn genetic diseases. Last evaluated: 2021-07-06. Review status: criteria provided, single submitter. Criteria: Ambry Variant Classification Scheme 2023. Collection method: clinical testing. Allele origin: germline.

NM_003718.5(CDK13):c.745_750dup (p.Ser250_Ser251insGlySer)

Gene: CDK13 (cyclin dependent kinase 13; plus strand). Cytogenetic location: 7p14.1.
Variant type: Duplication.
Coding change: c.745_750dup on transcript NM_003718.5 (MANE Select); coding-DNA positions 745 to 750, 6 bases duplicated (GGCAGC; older notation c.745_750dupGGCAGC).
Protein change: p.Ser250_Ser251insGlySer.
Molecular consequence: inframe indel (on NM_031267.4).
Genome position (GRCh38, 1-based): chr7:39,951,386-39,951,391, GGCAGC duplicated; duplicating any 6 consecutive bases within chr7:39,951,383-39,951,391 gives the same sequence; the c. name uses the placement nearest the transcript's 3' end. VCF-style (leftmost placement, unchanged base first): chr7-39951382-G-GAGCGGC. GRCh37 (hg19) VCF-style: chr7-39990981-G-GAGCGGC.
Other names: c.745_750dup, p.Ser250_Ser251insGlySer (NM_031267.4).
Identifiers: ClinVar variation 2167020 (VCV002167020.5), dbSNP rs538112746, ClinGen allele CA4228324.
Genomic context (GRCh38, chr7:39,951,382, plus strand): 5'-GGCCTCCAAGTCCCGCAGCCGCCACAGCCACAGCGGCGAGGAACGGGCCGAGGTCGCCAA[G>GAGCGGC]AGCGGCAGCAGCAGCAGCAGCGGCGGCCGCCGGAAAAGCGCTTCGGCCACATCCAGCAGC-3'